The following is an entry in ClinVar:

ClinVar aggregate classification (germline): Uncertain significance (1 of 4 stars; one submission).

Allele frequency attached by ClinVar (database versions not stated): gnomAD 0.00002; TOPMed 0.00002.
gnomAD v4.1: 9 of 1,583,238 alleles (0.00057%); highest among the groups gnomAD compares: South Asian, 0.0011%; no homozygotes.

Submission:

Labcorp Genetics (formerly Invitae), Labcorp
Classification: Uncertain significance. Last evaluated: 2022-08-19. Review status: criteria provided, single submitter. Criteria: Invitae Variant Classification Sherloc (09022015). Collection method: clinical testing. Allele origin: germline.
Comment: This sequence change replaces glycine, which is neutral and non-polar, with aspartic acid, which is acidic and polar, at codon 284 of the GRIN2D protein (p.Gly284Asp). This variant is not present in population databases (gnomAD no frequency). This variant has not been reported in the literature in individuals affected with GRIN2D-related conditions. Advanced modeling of protein sequence and biophysical properties (such as structural, functional, and spatial information, amino acid conservation, physicochemical variation, residue mobility, and thermodynamic stability) performed at Invitae indicates that this missense variant is not expected to disrupt GRIN2D protein function. In summary, the available evidence is currently insufficient to determine the role of this variant in disease. Therefore, it has been classified as a Variant of Uncertain Significance.

NM_000836.4(GRIN2D):c.851G>A (p.Gly284Asp)

Gene: GRIN2D (glutamate ionotropic receptor NMDA type subunit 2D; plus strand). Cytogenetic location: 19q13.33.
Variant type: single nucleotide variant.
Coding change: c.851G>A on transcript NM_000836.4 (MANE Select); coding-DNA position 851, G replaced by A.
Protein change: p.Gly284Asp; replaces glycine 284 with aspartic acid.
Molecular consequence: missense variant.
Genome position (GRCh38, 1-based): chr19:48,405,119, G>A. VCF-style: chr19-48405119-G-A. GRCh37 (hg19) VCF-style: chr19-48908376-G-A.
Other names: short protein forms G284D.
Identifiers: ClinVar variation 2189573 (VCV002189573.4), dbSNP rs971881000, ClinGen allele CA406692572.